The following is an entry in ClinVar:

ClinVar aggregate classification (germline): Benign. Review status: criteria provided, multiple submitters, no conflicts (2 of 4 stars). 7 submissions from 7 submitters: Benign (7). Last evaluated 2026-02-03.

Conditions:
ALG11-congenital disorder of glycosylation. Also called: CONGENITAL DISORDER OF GLYCOSYLATION, TYPE Ip; ALG11-CDG. Identifiers: Orphanet 280071, MedGen C3150913, MONDO:0013349, OMIM 613661.

Allele frequency attached by ClinVar (database versions not stated): ESP Exome Variant Server 0.00838; gnomAD exomes 0.01438 and 0.02665; gnomAD 0.01559 and 0.01560; 1000 Genomes Project 0.01857; 1000 Genomes Project 30x 0.01983; TOPMed 0.02106; ExAC 0.02247.
gnomAD v4.1: 23,256 of 1,614,094 alleles (1.4%); highest among the groups gnomAD compares: Admixed American, 12%; 673 homozygotes.

Submissions (26):

Labcorp Genetics (formerly Invitae), Labcorp
Classification: Benign for ALG11-congenital disorder of glycosylation. Last evaluated: 2026-02-03. Review status: criteria provided, single submitter. Criteria: Invitae Variant Classification Sherloc (09022015). Collection method: clinical testing. Allele origin: germline.

Mayo Clinic Laboratories, Mayo Clinic
Classification: Benign. Last evaluated: 2024-10-31. Review status: criteria provided, single submitter. Criteria: ACMG Guidelines, 2015. Collection method: clinical testing. Allele origin: germline. Observed: 1 variant allele.

Illumina Laboratory Services, Illumina
Classification: Benign for ALG11-congenital disorder of glycosylation. Last evaluated: 2018-01-12. Review status: criteria provided, single submitter. Criteria: ICSL Variant Classification Criteria 13 December 2019. Collection method: clinical testing. Allele origin: germline.
Comment: This variant was observed in the ICSL laboratory as part of a predisposition screen in an ostensibly healthy population. It had not been previously curated by ICSL or reported in the Human Gene Mutation Database (HGMD: prior to June 1st, 2018), and was therefore a candidate for classification through an automated scoring system. Utilizing variant allele frequency, disease prevalence and penetrance estimates, and inheritance mode, an automated score was calculated to assess if this variant is too frequent to cause the disease. Based on the score and internal cut-off values, a variant classified as benign is not then subjected to further curation. The score for this variant resulted in a classification of benign for this disease.

GeneDx
Classification: Benign. Last evaluated: 2016-02-08. Review status: criteria provided, single submitter. Criteria: GeneDx Variant Classification (06012015). Collection method: clinical testing. Allele origin: germline. Affected: yes.
Comment: This variant is considered likely benign or benign based on one or more of the following criteria: it is a conservative change, it occurs at a poorly conserved position in the protein, it is predicted to be benign by multiple in silico algorithms, and/or has population frequency not consistent with disease.

Genomic Diagnostic Laboratory, Division of Genomic Diagnostics, Children's Hospital of Philadelphia
Classification: Benign. Last evaluated: 2015-02-13. Review status: criteria provided, single submitter. Criteria: DGD Variant Analysis Guidelines. Collection method: clinical testing. Allele origin: unknown.

Eurofins Ntd Llc (ga)
Classification: Benign. Last evaluated: 2015-02-07. Review status: criteria provided, single submitter. Criteria: EGL Classification Definitions 2015. Collection method: clinical testing. Allele origin: germline. Observed: 1 variant allele, 1 homozygote.

Breakthrough Genomics
Classification: Benign. Review status: criteria provided, single submitter. Criteria: ACMG Guidelines, 2015. Collection method: not provided. Allele origin: germline. Inheritance: Autosomal recessive inheritance. Affected: yes.

Dr. Peter K. Rogan Lab, Western University
No classification provided (evidence only). Condition: Lung cancer. Review status: no classification provided. Collection method: in vitro. Allele origin: not applicable. Functional consequence: retained intron. Not counted in ClinVar's aggregate classification.

Dr. Peter K. Rogan Lab, Western University
No classification provided (evidence only). Condition: Lung cancer. Review status: no classification provided. Collection method: in vitro. Allele origin: not applicable. Functional consequence: retained intron. Not counted in ClinVar's aggregate classification.

Dr. Peter K. Rogan Lab, Western University
No classification provided (evidence only). Condition: Melanoma. Review status: no classification provided. Collection method: in vitro. Allele origin: not applicable. Functional consequence: retained intron. Not counted in ClinVar's aggregate classification.

Dr. Peter K. Rogan Lab, Western University
No classification provided (evidence only). Condition: Melanoma. Review status: no classification provided. Collection method: in vitro. Allele origin: not applicable. Functional consequence: retained intron. Not counted in ClinVar's aggregate classification.

Dr. Peter K. Rogan Lab, Western University
No classification provided (evidence only). Condition: Acute myeloid leukemia. Review status: no classification provided. Collection method: in vitro. Allele origin: not applicable. Functional consequence: skipped exon. Not counted in ClinVar's aggregate classification.

Dr. Peter K. Rogan Lab, Western University
No classification provided (evidence only). Condition: Colorectal cancer. Review status: no classification provided. Collection method: in vitro. Allele origin: not applicable. Functional consequence: retained intron. Not counted in ClinVar's aggregate classification.

Dr. Peter K. Rogan Lab, Western University
No classification provided (evidence only). Condition: Thyroid cancer, nonmedullary, 1. Review status: no classification provided. Collection method: in vitro. Allele origin: not applicable. Functional consequence: retained intron. Not counted in ClinVar's aggregate classification.

Dr. Peter K. Rogan Lab, Western University
No classification provided (evidence only). Condition: Thyroid cancer, nonmedullary, 1. Review status: no classification provided. Collection method: in vitro. Allele origin: not applicable. Functional consequence: retained intron. Not counted in ClinVar's aggregate classification.

Dr. Peter K. Rogan Lab, Western University
No classification provided (evidence only). Condition: Uterine corpus endometrial carcinoma. Review status: no classification provided. Collection method: in vitro. Allele origin: not applicable. Functional consequence: skipped exon. Not counted in ClinVar's aggregate classification.

Dr. Peter K. Rogan Lab, Western University
No classification provided (evidence only). Condition: Cervical cancer. Review status: no classification provided. Collection method: in vitro. Allele origin: not applicable. Functional consequence: retained intron. Not counted in ClinVar's aggregate classification.

Dr. Peter K. Rogan Lab, Western University
No classification provided (evidence only). Condition: Cervical cancer. Review status: no classification provided. Collection method: in vitro. Allele origin: not applicable. Functional consequence: skipped exon. Not counted in ClinVar's aggregate classification.

Dr. Peter K. Rogan Lab, Western University
No classification provided (evidence only). Condition: Cervical cancer. Review status: no classification provided. Collection method: in vitro. Allele origin: not applicable. Functional consequence: retained intron. Not counted in ClinVar's aggregate classification.

Dr. Peter K. Rogan Lab, Western University
No classification provided (evidence only). Condition: Nonpapillary renal cell carcinoma. Review status: no classification provided. Collection method: in vitro. Allele origin: not applicable. Functional consequence: skipped exon. Not counted in ClinVar's aggregate classification.

Dr. Peter K. Rogan Lab, Western University
No classification provided (evidence only). Condition: Thymoma. Review status: no classification provided. Collection method: in vitro. Allele origin: not applicable. Functional consequence: skipped exon. Not counted in ClinVar's aggregate classification.

Dr. Peter K. Rogan Lab, Western University
No classification provided (evidence only). Condition: Thymoma. Review status: no classification provided. Collection method: in vitro. Allele origin: not applicable. Functional consequence: retained intron. Not counted in ClinVar's aggregate classification.

Dr. Peter K. Rogan Lab, Western University
No classification provided (evidence only). Condition: Cholangiocarcinoma. Review status: no classification provided. Collection method: in vitro. Allele origin: not applicable. Functional consequence: retained intron. Not counted in ClinVar's aggregate classification.

Dr. Peter K. Rogan Lab, Western University
No classification provided (evidence only). Condition: Ovarian serous cystadenocarcinoma. Review status: no classification provided. Collection method: in vitro. Allele origin: not applicable. Functional consequence: retained intron. Not counted in ClinVar's aggregate classification.

Dr. Peter K. Rogan Lab, Western University
No classification provided (evidence only). Condition: Gastric cancer. Review status: no classification provided. Collection method: in vitro. Allele origin: not applicable. Functional consequence: retained intron. Not counted in ClinVar's aggregate classification.

Dr. Peter K. Rogan Lab, Western University
No classification provided (evidence only). Condition: Adrenocortical carcinoma, hereditary. Review status: no classification provided. Collection method: in vitro. Allele origin: not applicable. Functional consequence: retained intron. Not counted in ClinVar's aggregate classification.

NM_001004127.3(ALG11):c.323A>G (p.Asn108Ser)

Gene: ALG11 (ALG11 alpha-1,2-mannosyltransferase; plus strand). Cytogenetic location: 13q14.3.
Variant type: single nucleotide variant.
Coding change: c.323A>G on transcript NM_001004127.3 (MANE Select); coding-DNA position 323, A replaced by G.
Protein change: p.Asn108Ser; replaces asparagine 108 with serine.
Molecular consequence: missense variant.
Genome position (GRCh38, 1-based): chr13:52,024,053, A>G. VCF-style: chr13-52024053-A-G. GRCh37 (hg19) VCF-style: chr13-52598189-A-G.
Other names: short protein forms N108S.
Identifiers: ClinVar variation 196291 (VCV000196291.21), dbSNP rs17480245, ClinGen allele CA248798.